The following is an entry in ClinVar:

ClinVar aggregate classification (germline): Uncertain significance. Review status: criteria provided, multiple submitters, no conflicts (2 of 4 stars). 2 submissions from 2 submitters: Uncertain significance (2). Last evaluated 2023-07-17.

Conditions:
Encephalopathy, acute, infection-induced (herpes-specific), susceptibility to, 1. Also called: Herpes simplex encephalitis, susceptibility to, 1. Identifiers: Orphanet 1930, MedGen C2750180, MONDO:0024563, OMIM 610551.

Submissions (2):

Labcorp Genetics (formerly Invitae), Labcorp
Classification: Uncertain significance for Encephalopathy, acute, infection-induced (herpes-specific), susceptibility to, 1. Last evaluated: 2023-07-17. Review status: criteria provided, single submitter. Criteria: Invitae Variant Classification Sherloc (09022015). Collection method: clinical testing. Allele origin: germline.
Comment: An algorithm developed to predict the effect of missense changes on protein structure and function (PolyPhen-2) suggests that this variant is likely to be disruptive. ClinVar contains an entry for this variant (Variation ID: 2479446). This variant has not been reported in the literature in individuals affected with TLR3-related conditions. Algorithms developed to predict the effect of sequence changes on RNA splicing suggest that this variant may disrupt the consensus splice site. In summary, the available evidence is currently insufficient to determine the role of this variant in disease. Therefore, it has been classified as a Variant of Uncertain Significance. This sequence change replaces glycine, which is neutral and non-polar, with arginine, which is basic and polar, at codon 165 of the TLR3 protein (p.Gly165Arg). This variant is not present in population databases (gnomAD no frequency).

Ambry Genetics
Classification: Uncertain significance. Last evaluated: 2023-01-26. Review status: criteria provided, single submitter. Criteria: Ambry Variant Classification Scheme 2023. Collection method: clinical testing. Allele origin: germline.

NM_003265.3(TLR3):c.493G>A (p.Gly165Arg)

Gene: TLR3 (toll like receptor 3; plus strand). Cytogenetic location: 4q35.1.
Variant type: single nucleotide variant.
Coding change: c.493G>A on transcript NM_003265.3 (MANE Select); coding-DNA position 493, G replaced by A.
Protein change: p.Gly165Arg; replaces glycine 165 with arginine.
Molecular consequence: missense variant.
Genome position (GRCh38, 1-based): chr4:186,078,891, G>A. VCF-style: chr4-186078891-G-A. GRCh37 (hg19) VCF-style: chr4-187000045-G-A.
Other names: short protein forms G165R.
Identifiers: ClinVar variation 2479446 (VCV002479446.5), dbSNP rs2478215576, ClinGen allele CA359108176.